The following is an entry in ClinVar:

NM_000601.6(HGF):c.104GAA[1] (p.Arg36del)

Gene: HGF (hepatocyte growth factor; minus strand). Cytogenetic location: 7q21.11.
Variant type: Microsatellite.
Coding change: c.104GAA[1] on transcript NM_000601.6 (MANE Select); one copy of the 3-base unit GAA starting at c.104; the reference has two copies in a row; one copy, 3 bases deleted.
Protein change: p.Arg36del; deletes arginine 36.
Molecular consequence: inframe deletion.
Genome position (GRCh38, 1-based): chr7:81,762,852-81,762,854, TTC deleted on the plus strand (GAA on the coding strand, the reverse complement: HGF is on the minus strand); deleting any 3 consecutive bases within chr7:81,762,852-81,762,859 gives the same sequence; the position shown is the placement nearest the transcript's 3' end. VCF-style (leftmost placement, unchanged base first): chr7-81762851-TTTC-T. GRCh37 (hg19) VCF-style: chr7-81392167-TTTC-T.
Other names: c.104GAA[1], p.Arg36del (NM_001010931.3, NM_001010932.3, NM_001010933.3 and 1 more transcripts); short protein forms R36del.
Identifiers: ClinVar variation 1700497 (VCV001700497.3), dbSNP rs771230803, ClinGen allele CA4317273.

ClinVar aggregate classification (germline): Uncertain significance (1 of 4 stars; one submission).

Submission:

GeneDx
Classification: Uncertain significance. Last evaluated: 2024-06-18. Review status: criteria provided, single submitter. Criteria: GeneDx Variant Classification Process June 2021. Collection method: clinical testing. Allele origin: germline. Affected: yes.
Comment: Not observed at significant frequency in large population cohorts (gnomAD); In-frame deletion of one amino acid in a non-repeat region; In silico analysis supports that this variant does not alter protein structure/function; Has not been previously published as pathogenic or benign to our knowledge